The following is an entry in ClinVar:

NM_000135.4(FANCA):c.3238C>A (p.Arg1080=)

Gene: FANCA (FA complementation group A; minus strand). Cytogenetic location: 16q24.3.
Variant type: single nucleotide variant.
Coding change: c.3238C>A on transcript NM_000135.4 (MANE Select); coding-DNA position 3238, C replaced by A.
Protein change: p.Arg1080=; no amino-acid change (arginine 1080 retained).
Molecular consequence: synonymous variant.
Genome position (GRCh38, 1-based): chr16:89,749,731, G>T on the plus strand (C>A on the coding strand, the complement: FANCA is on the minus strand). VCF-style: chr16-89749731-G-T. GRCh37 (hg19) VCF-style: chr16-89816139-G-T.
Other names: c.3238C>A, p.Arg1080= (NM_001286167.3).
Identifiers: ClinVar variation 2880045 (VCV002880045.3), dbSNP rs760392231, ClinGen allele CA497195953.

ClinVar aggregate classification (germline): Uncertain significance (1 of 4 stars; one submission).

Conditions:
Fanconi anemia (FA). Also called: Fanconi's anemia. Identifiers: Orphanet 84, MedGen C0015625, MeSH D005199, MONDO:0019391.

Submission:

Labcorp Genetics (formerly Invitae), Labcorp
Classification: Uncertain significance for Fanconi anemia. Last evaluated: 2023-06-25. Review status: criteria provided, single submitter. Criteria: Invitae Variant Classification Sherloc (09022015). Collection method: clinical testing. Allele origin: germline.
Comment: This variant is not present in population databases (gnomAD no frequency). In summary, the available evidence is currently insufficient to determine the role of this variant in disease. Therefore, it has been classified as a Variant of Uncertain Significance. Algorithms developed to predict the effect of sequence changes on RNA splicing suggest that this variant is not likely to affect RNA splicing. This variant has not been reported in the literature in individuals affected with FANCA-related conditions. This sequence change affects codon 1080 of the FANCA mRNA. It is a 'silent' change, meaning that it does not change the encoded amino acid sequence of the FANCA protein. It affects a nucleotide within the consensus splice site.